The following is an entry in ClinVar:

ClinVar aggregate classification (germline): Uncertain significance (1 of 4 stars; one submission).

Conditions:
Developmental and epileptic encephalopathy, 53. Also called: Epileptic encephalopathy, early infantile, 53. Identifiers: MedGen C4479313, MONDO:0033362, OMIM 617389.
Early-onset Parkinson disease 20. Also called: PARKINSON DISEASE 20, AUTOSOMAL RECESSIVE EARLY-ONSET. Identifiers: Orphanet 391411, MedGen C3809824, MONDO:0014233, OMIM 615530.

Submission:

Labcorp Genetics (formerly Invitae), Labcorp
Classification: Uncertain significance for Developmental and epileptic encephalopathy, 53; Early-onset Parkinson disease 20. Last evaluated: 2019-11-21. Review status: criteria provided, single submitter. Criteria: Invitae Variant Classification Sherloc (09022015). Collection method: clinical testing. Allele origin: germline.
Comment: This sequence change replaces proline with serine at codon 1581 of the SYNJ1 protein (p.Pro1581Ser). The proline residue is moderately conserved and there is a moderate physicochemical difference between proline and serine. This variant is not present in population databases (ExAC no frequency). This variant has not been reported in the literature in individuals with SYNJ1-related conditions. Algorithms developed to predict the effect of missense changes on protein structure and function are either unavailable or do not agree on the potential impact of this missense change (SIFT: "Tolerated"; PolyPhen-2: "Probably Damaging"; Align-GVGD: "Class C0"). In summary, the available evidence is currently insufficient to determine the role of this variant in disease. Therefore, it has been classified as a Variant of Uncertain Significance.

NM_203446.3(SYNJ1):c.*712C>T

Gene: SYNJ1 (synaptojanin 1; minus strand). Cytogenetic location: 21q22.11.
Variant type: single nucleotide variant.
Coding change: c.*712C>T on transcript NM_203446.3 (MANE Select); 712 bases downstream of the stop codon, C replaced by T.
Molecular consequence: 3 prime UTR variant. On other transcripts: missense variant (2).
Genome position (GRCh38, 1-based): chr21:32,631,093, G>A on the plus strand (C>T on the coding strand, the complement: SYNJ1 is on the minus strand). VCF-style: chr21-32631093-G-A. GRCh37 (hg19) VCF-style: chr21-34003403-G-A.
Other names: c.*712C>T (NM_001160302.2); c.4483C>T, p.Pro1495Ser (NM_001160306.2); c.4741C>T, p.Pro1581Ser (NM_003895.4); short protein forms P1495S, P1581S.
Identifiers: ClinVar variation 854482 (VCV000854482.9), dbSNP rs2039303366, ClinGen allele CA410080760.